The following is an entry in ClinVar:

ClinVar aggregate classification (germline): Likely benign. Review status: criteria provided, multiple submitters, no conflicts (2 of 4 stars). 7 submissions from 7 submitters: Likely benign (4). 3 of the submissions do not count toward it. Last evaluated 2026-09-01.

Conditions:
CACNA1B-related disorder. Also called: CACNA1B-related condition.

Allele frequency attached by ClinVar (database versions not stated): ExAC below 0.00001; gnomAD 0.00298 and 0.00317; 1000 Genomes Project 30x 0.00390; gnomAD exomes 0.00454.
gnomAD v4.1: 4,766 of 1,101,120 alleles (0.43%); highest among the groups gnomAD compares: Middle Eastern, 0.83%; 1 homozygote.

Submissions (7):

CeGaT Center for Human Genetics Tuebingen
Classification: Likely benign. Last evaluated: 2026-09-01. Review status: criteria provided, single submitter. Criteria: CeGaT Center For Human Genetics Tuebingen Variant Classification Criteria Version 2. Collection method: clinical testing. Allele origin: germline. Affected: yes. Observed: 33 variant alleles.
Comment: CACNA1B: BP4, BP7

Blueprint Genetics
Classification: Likely benign. Last evaluated: 2024-11-26. Review status: criteria provided, single submitter. Criteria: ACMG Guidelines, 2015. Collection method: clinical testing. Allele origin: germline.

GeneDx
Classification: Likely benign. Last evaluated: 2021-06-04. Review status: criteria provided, single submitter. Criteria: GeneDx Variant Classification Process June 2021. Collection method: clinical testing. Allele origin: germline. Affected: yes.

Labcorp Genetics (formerly Invitae), Labcorp
Classification: Likely benign. Last evaluated: 2018-07-06. Review status: criteria provided, single submitter. Criteria: Invitae Variant Classification Sherloc (09022015). Collection method: clinical testing. Allele origin: germline.

PreventionGenetics, part of Exact Sciences
Classification: Likely benign for CACNA1B-related condition. Last evaluated: 2024-04-02. Review status: no assertion criteria provided. Collection method: clinical testing. Allele origin: germline. Not counted in ClinVar's aggregate classification.
Comment: This variant is classified as likely benign based on ACMG/AMP sequence variant interpretation guidelines (Richards et al. 2015 PMID: 25741868, with internal and published modifications).

Clinical Genetics DNA and cytogenetics Diagnostics Lab, Erasmus MC, Erasmus Medical Center
Classification: Likely benign. Review status: no assertion criteria provided. Collection method: clinical testing. Allele origin: germline. Affected: yes. Study: VKGL Data-share Consensus. Not counted in ClinVar's aggregate classification.

Diagnostic Laboratory, Department of Genetics, University Medical Center Groningen
Classification: Likely benign. Review status: no assertion criteria provided. Collection method: clinical testing. Allele origin: germline. Affected: yes. Study: VKGL Data-share Consensus. Not counted in ClinVar's aggregate classification.

NM_000718.4(CACNA1B):c.30C>T (p.Gly10=)

Genes: CACNA1B (calcium voltage-gated channel subunit alpha1 B; plus strand), CACNA1B-AS2 (CACNA1B antisense RNA 2; minus strand). Cytogenetic location: 9q34.3.
Variant type: single nucleotide variant.
Coding change: c.30C>T on transcript NM_000718.4 (MANE Select); coding-DNA position 30, C replaced by T.
Protein change: p.Gly10=; no amino-acid change (glycine 10 retained).
Molecular consequence: synonymous variant.
Genome position (GRCh38, 1-based): chr9:137,877,963, C>T. VCF-style: chr9-137877963-C-T. GRCh37 (hg19) VCF-style: chr9-140772415-C-T.
Other names: c.30C>T, p.Gly10= (NM_001243812.2).
Identifiers: ClinVar variation 374676 (VCV000374676.52), dbSNP rs767457983, ClinGen allele CA5375604.